The following is an entry in ClinVar:

ClinVar aggregate classification (germline): Likely benign (0 of 4 stars; one submission).

Conditions:
NRP1-related disorder. Also called: NRP1-related condition.

Allele frequency attached by ClinVar (database versions not stated): gnomAD exomes 0.00005; ExAC 0.00025; gnomAD 0.00062; 1000 Genomes Project 0.00080; TOPMed 0.00082; 1000 Genomes Project 30x 0.00094; ESP Exome Variant Server 0.00100.
gnomAD v4.1: 173 of 1,582,434 alleles (0.011%); highest among the groups gnomAD compares: African/African-American, 0.22%; no homozygotes.

Submission:

PreventionGenetics, part of Exact Sciences
Classification: Likely benign for NRP1-related condition. Last evaluated: 2019-11-11. Review status: no assertion criteria provided. Collection method: clinical testing. Allele origin: germline.
Comment: This variant is classified as likely benign based on ACMG/AMP sequence variant interpretation guidelines (Richards et al. 2015 PMID: 25741868, with internal and published modifications).

NM_003873.7(NRP1):c.249-6T>C

Gene: NRP1 (neuropilin 1; minus strand). Cytogenetic location: 10p11.22.
Variant type: single nucleotide variant.
Coding change: c.249-6T>C on transcript NM_003873.7 (MANE Select); 6 bases into the intron before coding-DNA position 249, T replaced by C.
Molecular consequence: intron variant.
Genome position (GRCh38, 1-based): chr10:33,270,862, A>G on the plus strand (T>C on the coding strand, the complement: NRP1 is on the minus strand). VCF-style: chr10-33270862-A-G. GRCh37 (hg19) VCF-style: chr10-33559790-A-G.
Other names: c.249-6T>C (NM_001244973.2, NM_001244972.2, NM_001330068.2 and 2 more transcripts).
Identifiers: ClinVar variation 3033129 (VCV003033129.2), dbSNP rs115486760, ClinGen allele CA5466998.